The following is an entry in ClinVar:

ClinVar aggregate classification (germline): Likely pathogenic (1 of 4 stars; one submission).

Conditions:
Autosomal recessive limb-girdle muscular dystrophy type 2J (LGMDR10). Also called: Limb-girdle muscular dystrophy, type 2J; MUSCULAR DYSTROPHY, LIMB-GIRDLE, AUTOSOMAL RECESSIVE 10. Identifiers: Orphanet 140922, MedGen C1837342, MONDO:0012127, OMIM 608807.
Dilated cardiomyopathy 1G (CMD1G). Identifiers: Orphanet 154, MedGen C1858763, MONDO:0011400, OMIM 604145.

Submission:

Labcorp Genetics (formerly Invitae), Labcorp
Classification: Likely pathogenic for Dilated cardiomyopathy 1G; Autosomal recessive limb-girdle muscular dystrophy type 2J. Last evaluated: 2025-10-01. Review status: criteria provided, single submitter. Criteria: Invitae Variant Classification Sherloc (09022015). Collection method: clinical testing. Allele origin: germline.
Comment: This sequence change creates a premature translational stop signal (p.Val22277Tyrfs*20) in the TTN gene. While this is not anticipated to result in nonsense mediated decay, it is expected to create a truncated TTN protein. This variant is not present in population databases (gnomAD no frequency). This variant has not been reported in the literature in individuals affected with TTN-related conditions. This variant is located in the A band of TTN (PMID: 25589632). Truncating variants in this region are significantly overrepresented in patients affected with dilated cardiomyopathy (PMID: 25589632). Truncating variants in this region have also been reported in individuals affected with autosomal recessive centronuclear myopathy (PMID: 23975875). In summary, the currently available evidence indicates that the variant is pathogenic, but additional data are needed to prove that conclusively. Therefore, this variant has been classified as Likely Pathogenic.

Literature cited by the submitters: PubMed 25589632; PubMed 23975875.

NM_001267550.2(TTN):c.66828_66829del (p.Val22277fs)

Genes: TTN (titin; minus strand), TTN-AS1 (TTN antisense RNA 1; plus strand). Cytogenetic location: 2q31.2.
Variant type: Deletion.
Coding change: c.66828_66829del on transcript NM_001267550.2 (MANE Select); coding-DNA positions 66828 to 66829, 2 bases deleted (AG; older notation c.66828_66829delAG).
Protein change: p.Val22277fs; shifts the reading frame from valine 22277.
Molecular consequence: frameshift variant.
Genome position (GRCh38, 1-based): chr2:178,580,550-178,580,551, CT deleted on the plus strand (AG on the coding strand, the reverse complement: TTN is on the minus strand); deleting any 2 consecutive bases within chr2:178,580,550-178,580,552 gives the same sequence; the c. name uses the placement nearest the transcript's 3' end. VCF-style (leftmost placement, unchanged base first): chr2-178580549-ACT-A. GRCh37 (hg19) VCF-style: chr2-179445276-ACT-A.
Other names: c.61905_61906del, p.Val20636fs (NM_001256850.1); c.39633_39634del, p.Val13212fs (NM_003319.4); c.59124_59125del, p.Val19709fs (NM_133378.4); c.40008_40009del, p.Val13337fs (NM_133432.3); c.40209_40210del, p.Val13404fs (NM_133437.4); short protein forms V19709fs, V20636fs, V13337fs, V22277fs, V13404fs, V13212fs.
Identifiers: ClinVar variation 4786283 (VCV004786283.1).